The following is an entry in ClinVar:

ClinVar aggregate classification (germline): Likely benign (0 of 4 stars; one submission).

Conditions:
PRR12-related disorder. Also called: PRR12-related condition.

Allele frequency attached by ClinVar (database versions not stated): gnomAD 0.00036; 1000 Genomes Project 0.00040; ExAC 0.00044; TOPMed 0.00046.

Submission:

PreventionGenetics, part of Exact Sciences
Classification: Likely benign for PRR12-related condition. Last evaluated: 2019-03-29. Review status: no assertion criteria provided. Collection method: clinical testing. Allele origin: germline.
Comment: This variant is classified as likely benign based on ACMG/AMP sequence variant interpretation guidelines (Richards et al. 2015 PMID: 25741868, with internal and published modifications).

NM_020719.3(PRR12):c.4496C>T (p.Pro1499Leu)

Gene: PRR12 (proline rich 12; plus strand). Cytogenetic location: 19q13.33.
Variant type: single nucleotide variant.
Coding change: c.4496C>T on transcript NM_020719.3 (MANE Select); coding-DNA position 4496, C replaced by T.
Protein change: p.Pro1499Leu; replaces proline 1499 with leucine.
Molecular consequence: missense variant.
Genome position (GRCh38, 1-based): chr19:49,601,641, C>T. VCF-style: chr19-49601641-C-T. GRCh37 (hg19) VCF-style: chr19-50104898-C-T.
Other names: short protein forms P1499L.
Identifiers: ClinVar variation 3041071 (VCV003041071.2), dbSNP rs537825183, ClinGen allele CA9578501.
Genomic context (GRCh38, chr19:49,601,641, plus strand): 5'-AGCCAGCCCTGCCCTCGCCACCCCCGCTGGTGGCCCCCACGCCCAGCTCACCACCGCCAC[C>T]GCCGCTGCCGCCGCCACCTCCACCAGCCATGCCCTCGCCTCCACCACCACCCCCACCAGC-3'
Protein context (NP_065770.1, residues 1489-1509): VAPTPSSPPP[Pro1499Leu]PLPPPPPPAM